The following is an entry in ClinVar:

NM_001089.3(ABCA3):c.1000A>C (p.Asn334His)

Gene: ABCA3 (ATP binding cassette subfamily A member 3; minus strand). Cytogenetic location: 16p13.3.
Variant type: single nucleotide variant.
Coding change: c.1000A>C on transcript NM_001089.3 (MANE Select); coding-DNA position 1000, A replaced by C.
Protein change: p.Asn334His; replaces asparagine 334 with histidine.
Molecular consequence: missense variant.
Genome position (GRCh38, 1-based): chr16:2,317,394, T>G on the plus strand (A>C on the coding strand, the complement: ABCA3 is on the minus strand). VCF-style: chr16-2317394-T-G. GRCh37 (hg19) VCF-style: chr16-2367395-T-G.
Other names: short protein forms N334H.
Identifiers: ClinVar variation 1704021 (VCV001704021.6), dbSNP rs2093717695, ClinGen allele CA394343279.

ClinVar aggregate classification (germline): Uncertain significance. Review status: criteria provided, multiple submitters, no conflicts (2 of 4 stars). 2 submissions from 2 submitters: Uncertain significance (2). Last evaluated 2025-11-12.

Conditions:
Hereditary pulmonary alveolar proteinosis. Also called: Pulmonary surfactant metabolism dysfunction. Identifiers: Orphanet 264675, MedGen C3711368, MONDO:0012580.

Allele frequency attached by ClinVar (database versions not stated): TOPMed 0.00001; gnomAD 0.00001.
gnomAD v4.1: 3 of 1,613,442 alleles (0.00019%); highest among the groups gnomAD compares: Non-Finnish European, 0.00025%; no homozygotes.

Submissions (2):

Ambry Genetics
Classification: Uncertain significance for Hereditary pulmonary alveolar proteinosis. Last evaluated: 2025-11-12. Review status: criteria provided, single submitter. Criteria: Ambry Variant Classification Scheme 2023. Collection method: clinical testing. Allele origin: germline.

GeneDx
Classification: Uncertain significance. Last evaluated: 2022-03-03. Review status: criteria provided, single submitter. Criteria: GeneDx Variant Classification Process June 2021. Collection method: clinical testing. Allele origin: germline. Affected: yes.
Comment: Not observed at significant frequency in large population cohorts (gnomAD); In silico analysis supports that this missense variant does not alter protein structure/function; Has not been previously published as pathogenic or benign to our knowledge